The following is an entry in ClinVar:

NM_201384.3(PLEC):c.1374C>T (p.Thr458=)

Gene: PLEC (plectin; minus strand). Cytogenetic location: 8q24.3.
Variant type: single nucleotide variant.
Coding change: c.1374C>T on transcript NM_201384.3 (MANE Select); coding-DNA position 1374, C replaced by T.
Protein change: p.Thr458=; no amino-acid change (threonine 458 retained).
Molecular consequence: synonymous variant.
Genome position (GRCh38, 1-based): chr8:143,933,241, G>A on the plus strand (C>T on the coding strand, the complement: PLEC is on the minus strand). VCF-style: chr8-143933241-G-A. GRCh37 (hg19) VCF-style: chr8-145007409-G-A.
Other names: p.Thr444=; c.1455C>T, p.Thr485= (NM_000445.5); c.1332C>T, p.Thr444= (NM_201378.4); c.1308C>T, p.Thr436= (NM_201379.3); c.1785C>T, p.Thr595= (NM_201380.4); c.1278C>T, p.Thr426= (NM_201381.3); c.1374C>T, p.Thr458= (NM_201382.4); c.1386C>T, p.Thr462= (NM_201383.3).
Identifiers: ClinVar variation 129933 (VCV000129933.20), dbSNP rs115081018, ClinGen allele CA154436.

ClinVar aggregate classification (germline): Benign/Likely benign. Review status: criteria provided, multiple submitters, no conflicts (2 of 4 stars). 7 submissions from 7 submitters: Benign (4); Likely benign (2). 1 of the submissions does not count toward it. Last evaluated 2026-02-03.

Conditions:
Epidermolysis bullosa simplex 5C, with pyloric atresia (EBS5C). Also called: PLEC-Related Epidermolysis Bullosa with Pyloric Atresia; Epidermolysis bullosa simplex with pyloric atresia; PLEC1-Related Epidermolysis Bullosa with Pyloric Atresia. Identifiers: Orphanet 158684, MedGen C2677349, MONDO:0012807, OMIM 612138.
Autosomal recessive limb-girdle muscular dystrophy type 2Q (LGMDR17). Also called: MUSCULAR DYSTROPHY, LIMB-GIRDLE, AUTOSOMAL RECESSIVE 17. Identifiers: Orphanet 254361, MedGen C3150989, MONDO:0013390, OMIM 613723.
Epidermolysis bullosa simplex with nail dystrophy (EBS5D). Identifiers: MedGen C4225309, MONDO:0014661, OMIM 616487.
Epidermolysis bullosa simplex 5B, with muscular dystrophy (EBS5B). Also called: Epidermolysis bullosa simplex with muscular dystrophy; EPIDERMOLYSIS BULLOSA SIMPLEX AND LIMB-GIRDLE MUSCULAR DYSTROPHY. Identifiers: Orphanet 257, MedGen C2931072, MONDO:0009181, OMIM 226670.
Epidermolysis bullosa simplex, Ogna type (EBS5A). Also called: Pidermolysis bullosa simplex 5A, Ogna type; EPIDERMOLYSIS BULLOSA SIMPLEX 5A, OGNA TYPE. Identifiers: Orphanet 79401, MedGen C0432317, MONDO:0007555, OMIM 131950.

Allele frequency attached by ClinVar (database versions not stated): gnomAD exomes 0.00326; ExAC 0.00399; gnomAD 0.01186 and 0.01267; TOPMed 0.01395; 1000 Genomes Project 0.01657; ESP Exome Variant Server 0.01312; 1000 Genomes Project 30x 0.01780.
gnomAD v4.1: 3,637 of 1,613,106 alleles (0.23%); highest among the groups gnomAD compares: African/African-American, 3.9%; 70 homozygotes.

Submissions (7):

Labcorp Genetics (formerly Invitae), Labcorp
Classification: Benign for Autosomal recessive limb-girdle muscular dystrophy type 2Q; Epidermolysis bullosa simplex, Ogna type; Epidermolysis bullosa simplex with nail dystrophy; Epidermolysis bullosa simplex 5C, with pyloric atresia; Epidermolysis bullosa simplex 5B, with muscular dystrophy. Last evaluated: 2026-02-03. Review status: criteria provided, single submitter. Criteria: Invitae Variant Classification Sherloc (09022015). Collection method: clinical testing. Allele origin: germline.

Athena Diagnostics
Classification: Benign. Last evaluated: 2024-07-05. Review status: criteria provided, single submitter. Criteria: Athena Diagnostics Criteria. Collection method: clinical testing. Allele origin: unknown.

Mayo Clinic Laboratories, Mayo Clinic
Classification: Benign. Last evaluated: 2024-02-15. Review status: criteria provided, single submitter. Criteria: ACMG Guidelines, 2015. Collection method: clinical testing. Allele origin: germline. Observed: 7 variant alleles.
Comment: BS1, BS2, BP4, BP7

GeneDx
Classification: Benign. Last evaluated: 2016-03-29. Review status: criteria provided, single submitter. Criteria: GeneDx Variant Classification (06012015). Collection method: clinical testing. Allele origin: germline. Affected: yes.
Comment: This variant is considered likely benign or benign based on one or more of the following criteria: it is a conservative change, it occurs at a poorly conserved position in the protein, it is predicted to be benign by multiple in silico algorithms, and/or has population frequency not consistent with disease.

Breakthrough Genomics
Classification: Likely benign. Review status: criteria provided, single submitter. Criteria: ACMG Guidelines, 2015. Collection method: not provided. Allele origin: germline. Inheritance: Autosomal recessive inheritance. Affected: yes.

PreventionGenetics, part of Exact Sciences
Classification: Likely benign. Review status: criteria provided, single submitter. Criteria: ACMG Guidelines, 2015. Collection method: clinical testing. Allele origin: germline.

Genetic Services Laboratory, University of Chicago
Classification: Likely benign for AllHighlyPenetrant. Review status: no assertion criteria provided. Collection method: clinical testing. Allele origin: germline. Inheritance: Autosomal recessive inheritance. Not counted in ClinVar's aggregate classification.
Comment: Likely benign based on allele frequency in 1000 Genomes Project or ESP global frequency and its presence in a patient with a rare or unrelated disease phenotype. NOT Sanger confirmed.